The following is an entry in ClinVar:

ClinVar aggregate classification (germline): Uncertain significance (1 of 4 stars; one submission).

Conditions:
Progressive myoclonic epilepsy. Also called: Myoclonus epilepsy; Progressive myoclonus epilepsy; Familial progressive myoclonic epilepsy; Myoclonic Epilepsies, Progressive. Identifiers: Orphanet 308, Orphanet 98261, MedGen C0751778, MONDO:0020074.

Allele frequency attached by ClinVar (database versions not stated): gnomAD exomes below 0.00001.
gnomAD v4.1: 1 of 1,614,220 alleles (0.000062%); highest among the groups gnomAD compares: Non-Finnish European, 0.000085%; no homozygotes.

Submission:

Labcorp Genetics (formerly Invitae), Labcorp
Classification: Uncertain significance for Progressive myoclonic epilepsy. Last evaluated: 2022-01-14. Review status: criteria provided, single submitter. Criteria: Invitae Variant Classification Sherloc (09022015). Collection method: clinical testing. Allele origin: germline.
Comment: In summary, the available evidence is currently insufficient to determine the role of this variant in disease. Therefore, it has been classified as a Variant of Uncertain Significance. This sequence change replaces methionine, which is neutral and non-polar, with threonine, which is neutral and polar, at codon 428 of the SCARB2 protein (p.Met428Thr). This variant is not present in population databases (gnomAD no frequency). This variant has not been reported in the literature in individuals affected with SCARB2-related conditions. Algorithms developed to predict the effect of missense changes on protein structure and function (SIFT, PolyPhen-2, Align-GVGD) all suggest that this variant is likely to be tolerated.

NM_005506.4(SCARB2):c.1283T>C (p.Met428Thr)

Gene: SCARB2 (scavenger receptor class B member 2; minus strand). Cytogenetic location: 4q21.1.
Variant type: single nucleotide variant.
Coding change: c.1283T>C on transcript NM_005506.4 (MANE Select); coding-DNA position 1283, T replaced by C.
Protein change: p.Met428Thr; replaces methionine 428 with threonine.
Molecular consequence: missense variant.
Genome position (GRCh38, 1-based): chr4:76,163,340, A>G on the plus strand (T>C on the coding strand, the complement: SCARB2 is on the minus strand). VCF-style: chr4-76163340-A-G. GRCh37 (hg19) VCF-style: chr4-77084493-A-G.
Other names: c.854T>C, p.Met285Thr (NM_001204255.2); short protein forms M428T, M285T.
Identifiers: ClinVar variation 1447368 (VCV001447368.8), dbSNP rs2109931937, ClinGen allele CA357313509.
Genomic context (GRCh38, chr4:76,163,340, plus strand): 5'-AACACACCCAGCGCCATGATGATGTAGGGTATGTTGGTGATGATCAAAGTAGTGTTAATC[A>G]TAGACTTCAGTCGACTCGCCGTCTCTTTATCAATGTGAACACTCTGGAGAGGCAAGAAAA-3'
Protein context (NP_005497.1, residues 418-438): DKETASRLKS[Met428Thr]INTTLIITNI